The following is an entry in ClinVar:

NM_001375567.1(FOCAD):c.4729-7_4729-5dup

Gene: FOCAD (focadhesin; plus strand). Cytogenetic location: 9p21.3.
Variant type: Duplication.
Coding change: c.4729-7_4729-5dup on transcript NM_001375567.1 (MANE Select); 7 bases into the intron before coding-DNA position 4729 through 5 bases into the intron before coding-DNA position 4729, 3 bases duplicated (TTT; older notation c.4729-7_4729-5dupTTT).
Molecular consequence: intron variant.
Genome position (GRCh38, 1-based): chr9:20,986,281-20,986,283, TTT duplicated; duplicating any 3 consecutive bases within chr9:20,986,267-20,986,283 gives the same sequence; the c. name uses the placement nearest the transcript's 3' end. VCF-style (leftmost placement, unchanged base first): chr9-20986266-A-ATTT. GRCh37 (hg19) VCF-style: chr9-20986265-A-ATTT.
Other names: c.4729-7_4729-5dup (NM_017794.5); c.4624-7_4624-5dup (NM_001375568.1, NM_001375570.1).
Identifiers: ClinVar variation 3034346 (VCV003034346.2), dbSNP rs545976303, ClinGen allele CA862073091.
Genomic context (GRCh38, chr9:20,986,266, plus strand): 5'-TGTTTTGCCCTTGCCCTGAAATTCTGTAGCTACTTCAGTTAATTTAATAGTAACTAAACA[A>ATTT]TTTTTTTTTTTTTTTTTGCAGAGCAACATAGAAAAAGCTGCCTTTGTCAAACTGTACTTA-3'

ClinVar aggregate classification (germline): Likely benign (0 of 4 stars; one submission).

Conditions:
FOCAD-related disorder. Also called: FOCAD-related condition.

Submission:

PreventionGenetics, part of Exact Sciences
Classification: Likely benign for FOCAD-related condition. Last evaluated: 2022-10-01. Review status: no assertion criteria provided. Collection method: clinical testing. Allele origin: germline.
Comment: This variant is classified as likely benign based on ACMG/AMP sequence variant interpretation guidelines (Richards et al. 2015 PMID: 25741868, with internal and published modifications).